The following is an entry in ClinVar:

NM_001854.4(COL11A1):c.1664G>A (p.Ser555Asn)

Gene: COL11A1 (collagen type XI alpha 1 chain; minus strand). Cytogenetic location: 1p21.1.
Variant type: single nucleotide variant.
Coding change: c.1664G>A on transcript NM_001854.4 (MANE Select); coding-DNA position 1664, G replaced by A.
Protein change: p.Ser555Asn; replaces serine 555 with asparagine.
Molecular consequence: missense variant. On other transcripts: non-coding transcript variant (1).
Genome position (GRCh38, 1-based): chr1:103,008,482, C>T on the plus strand (G>A on the coding strand, the complement: COL11A1 is on the minus strand). VCF-style: chr1-103008482-C-T. GRCh37 (hg19) VCF-style: chr1-103474038-C-T.
Other names: c.1547G>A, p.Ser516Asn (NM_001190709.2); c.1700G>A, p.Ser567Asn (NM_080629.3); c.1316G>A, p.Ser439Asn (NM_080630.4); short protein forms S439N, S516N, S555N, S567N.
Identifiers: ClinVar variation 3600812 (VCV003600812.5).

ClinVar aggregate classification (germline): Conflicting classifications of pathogenicity. Review status: criteria provided, conflicting classifications (1 of 4 stars). 4 submissions from 4 submitters: Uncertain significance (3); Benign (1). Last evaluated 2025-11-19.

Conditions:
Inborn genetic diseases. Identifiers: MedGen C0950123, MeSH D030342.
COL11A1-related disorder. Also called: COL11A1-related condition; COL11A1-related disorders.

gnomAD v4.1: 11 of 1,613,784 alleles (0.00068%); highest among the groups gnomAD compares: African/African-American, 0.012%; no homozygotes.

Submissions (4):

Ambry Genetics
Classification: Uncertain significance for Inborn genetic diseases. Last evaluated: 2025-11-19. Review status: criteria provided, single submitter. Criteria: Ambry Variant Classification Scheme 2023. Collection method: clinical testing. Allele origin: germline.

Labcorp Genetics (formerly Invitae), Labcorp
Classification: Benign. Last evaluated: 2025-09-14. Review status: criteria provided, single submitter. Criteria: Invitae Variant Classification Sherloc (09022015). Collection method: clinical testing. Allele origin: germline.

PreventionGenetics, part of Exact Sciences
Classification: Uncertain significance for COL11A1-related condition. Last evaluated: 2025-01-28. Review status: criteria provided, single submitter. Criteria: ACMG Guidelines, 2015. Collection method: clinical testing. Allele origin: germline.
Comment: The COL11A1 c.1664G>A variant is predicted to result in the amino acid substitution p.Ser555Asn. To our knowledge, this variant has not been reported in the literature. This variant is reported in 0.016% of alleles in individuals of African descent in gnomAD. At this time, the clinical significance of this variant is uncertain due to the absence of conclusive functional and genetic evidence.

GeneDx
Classification: Uncertain significance. Last evaluated: 2024-07-22. Review status: criteria provided, single submitter. Criteria: GeneDx Variant Classification Process June 2021. Collection method: clinical testing. Allele origin: germline. Affected: yes.
Comment: Not observed at significant frequency in large population cohorts (gnomAD); In silico analysis indicates that this missense variant does not alter protein structure/function; Has not been previously published as pathogenic or benign to our knowledge